The following is an entry in ClinVar:

ClinVar aggregate classification (germline): Likely benign (0 of 4 stars; one submission).

Conditions:
CFTR-related disorder (CFTR-RD). Also called: CFTR-related disorders; CFTR-related condition. Identifiers: MedGen C5924204, MONDO:7770004.

Allele frequency attached by ClinVar (database versions not stated): gnomAD 0.00001; TOPMed 0.00001; gnomAD exomes below 0.00001.

Submission:

PreventionGenetics, part of Exact Sciences
Classification: Likely benign for CFTR-related condition. Last evaluated: 2020-04-07. Review status: no assertion criteria provided. Collection method: clinical testing. Allele origin: germline.
Comment: This variant is classified as likely benign based on ACMG/AMP sequence variant interpretation guidelines (Richards et al. 2015 PMID: 25741868, with internal and published modifications).

NM_000492.3(CFTR):c.-93G>C

Genes: CFTR (CF transmembrane conductance regulator; plus strand), LOC111674463 (CFTR promoter region; plus strand). Cytogenetic location: 7q31.2.
Variant type: single nucleotide variant.
Coding change: c.-93G>C on transcript NM_000492.3; 93 bases upstream of the start codon, G replaced by C.
Genome position (GRCh38, 1-based): chr7:117,480,002, G>C. VCF-style: chr7-117480002-G-C. GRCh37 (hg19) VCF-style: chr7-117120056-G-C.
Identifiers: ClinVar variation 3055016 (VCV003055016.2), dbSNP rs1191653568, ClinGen allele CA832112799.
Genomic context (GRCh38, chr7:117,480,002, plus strand): 5'-GGAGTAGGGGTGGGTGGGGGGAATTGGAAGCAAATGACATCACAGCAGGTCAGAGAAAAA[G>C]GGTTGAGCGGCAGGCACCCAGAGTAGTAGGTCTTTGGCATTAGGAGCTTGAGCCCAGACG-3'